The following is an entry in ClinVar:

ClinVar aggregate classification (germline): Uncertain significance (1 of 4 stars; one submission).

Conditions:
Aicardi-Goutieres syndrome 3. Identifiers: Orphanet 51, MedGen C1835916, MONDO:0012471, OMIM 610329.

Allele frequency attached by ClinVar (database versions not stated): gnomAD 0.00001.
gnomAD v4.1: 5 of 1,614,142 alleles (0.00031%); highest among the groups gnomAD compares: Admixed American, 0.0033%; no homozygotes.

Submission:

Labcorp Genetics (formerly Invitae), Labcorp
Classification: Uncertain significance for Aicardi-Goutieres syndrome 3. Last evaluated: 2022-06-09. Review status: criteria provided, single submitter. Criteria: Invitae Variant Classification Sherloc (09022015). Collection method: clinical testing. Allele origin: germline.
Comment: This sequence change replaces glycine, which is neutral and non-polar, with arginine, which is basic and polar, at codon 103 of the RNASEH2C protein (p.Gly103Arg). In summary, the available evidence is currently insufficient to determine the role of this variant in disease. Therefore, it has been classified as a Variant of Uncertain Significance. Algorithms developed to predict the effect of missense changes on protein structure and function (SIFT, PolyPhen-2, Align-GVGD) all suggest that this variant is likely to be tolerated. This variant has not been reported in the literature in individuals affected with RNASEH2C-related conditions. This variant is present in population databases (rs766900205, gnomAD 0.004%).

NM_032193.4(RNASEH2C):c.307G>C (p.Gly103Arg)

Gene: RNASEH2C (ribonuclease H2 subunit C; minus strand). Cytogenetic location: 11q13.1.
Variant type: single nucleotide variant.
Coding change: c.307G>C on transcript NM_032193.4 (MANE Select); coding-DNA position 307, G replaced by C.
Protein change: p.Gly103Arg; replaces glycine 103 with arginine.
Molecular consequence: missense variant.
Genome position (GRCh38, 1-based): chr11:65,720,283, C>G on the plus strand (G>C on the coding strand, the complement: RNASEH2C is on the minus strand). VCF-style: chr11-65720283-C-G. GRCh37 (hg19) VCF-style: chr11-65487754-C-G.
Other names: short protein forms G103R.
Identifiers: ClinVar variation 2004019 (VCV002004019.4), dbSNP rs766900205, ClinGen allele CA6107741.